The following is an entry in ClinVar:

NM_004959.5(NR5A1):c.974T>C (p.Leu325Pro)

Gene: NR5A1 (nuclear receptor subfamily 5 group A member 1; minus strand). Cytogenetic location: 9q33.3.
Variant type: single nucleotide variant.
Coding change: c.974T>C on transcript NM_004959.5 (MANE Select); coding-DNA position 974, T replaced by C.
Protein change: p.Leu325Pro; replaces leucine 325 with proline.
Molecular consequence: missense variant.
Genome position (GRCh38, 1-based): chr9:124,493,046, A>G on the plus strand (T>C on the coding strand, the complement: NR5A1 is on the minus strand). VCF-style: chr9-124493046-A-G. GRCh37 (hg19) VCF-style: chr9-127255325-A-G.
Other names: short protein forms L325P.
Identifiers: ClinVar variation 3343862 (VCV003343862.1).

ClinVar aggregate classification (germline): Likely pathogenic (1 of 4 stars; one submission).

Submission:

GeneDx
Classification: Likely pathogenic. Last evaluated: 2023-09-08. Review status: criteria provided, single submitter. Criteria: GeneDx Variant Classification Process June 2021. Collection method: clinical testing. Allele origin: germline. Affected: yes.
Comment: Not observed at significant frequency in large population cohorts (gnomAD); In silico analysis supports that this missense variant has a deleterious effect on protein structure/function; This variant is associated with the following publications: (PMID: 32738419)